The following is an entry in ClinVar:

NM_007194.4(CHEK2):c.264dup (p.Thr89fs)

Gene: CHEK2 (checkpoint kinase 2; minus strand). Cytogenetic location: 22q12.1.
Variant type: Duplication.
Coding change: c.264dup on transcript NM_007194.4 (MANE Select); coding-DNA position 264, one base duplicated (T; older notation c.264dupT).
Protein change: p.Thr89fs; shifts the reading frame from threonine 89.
Molecular consequence: frameshift variant.
Genome position (GRCh38, 1-based): chr22:28,734,458, A duplicated on the plus strand (T on the coding strand, the reverse complement: CHEK2 is on the minus strand). VCF-style (leftmost placement, unchanged base first): chr22-28734457-T-TA. GRCh37 (hg19) VCF-style: chr22-29130445-T-TA.
Other names: c.264dup, p.Thr89Tyrfs (NM_001005735.3, NM_001349956.3, NM_145862.3); c.-514dup (NM_001257387.3); short protein forms T89fs.
Identifiers: ClinVar variation 2583479 (VCV002583479.2), dbSNP rs2518128360, ClinGen allele CA2582342754.
Genomic context (GRCh38, chr22:28,734,457, plus strand): 5'-TCTTACCAAGATTGGCAAATCCATCCTGAAGGGCCCATAATCGAGCCCAGGGGGCAGGGG[T>TA]AGGCTCCTCAGGTTCTTGGTCCTCAGGTTCTTGGTCCTCAGGAATAGAATAGAGTTCCTG-3'

ClinVar aggregate classification (germline): Pathogenic (1 of 4 stars; one submission).

Conditions:
Familial cancer of breast. Also called: Hereditary breast cancer; BREAST CANCER, FAMILIAL; hereditary breast carcinoma. Identifiers: Orphanet 227535, MedGen C0346153, MONDO:0016419, OMIM 114480. Disease mechanism: loss of function.

Submission:

Myriad Genetics, Inc.
Classification: Pathogenic for Familial cancer of breast. Last evaluated: 2023-06-23. Review status: criteria provided, single submitter. Criteria: Myriad Autosomal Dominant, Autosomal Recessive and X-Linked Classification Criteria (2023). Collection method: clinical testing. Allele origin: unknown.
Comment: This variant is considered pathogenic. This variant creates a frameshift predicted to result in premature protein truncation.